The following is an entry in ClinVar:

NM_001244008.2(KIF1A):c.2064C>T (p.Asp688=)

Gene: KIF1A (kinesin family member 1A; minus strand). Cytogenetic location: 2q37.3.
Variant type: single nucleotide variant.
Coding change: c.2064C>T on transcript NM_001244008.2 (MANE Select); coding-DNA position 2064, C replaced by T.
Protein change: p.Asp688=; no amino-acid change (aspartic acid 688 retained).
Molecular consequence: synonymous variant.
Genome position (GRCh38, 1-based): chr2:240,762,771, G>A on the plus strand (C>T on the coding strand, the complement: KIF1A is on the minus strand). VCF-style: chr2-240762771-G-A. GRCh37 (hg19) VCF-style: chr2-241702188-G-A.
Other names: c.2064C>T, p.Asp688= (NM_001320705.2, NM_001330289.2, NM_001379638.1); c.2139C>T, p.Asp713= (NM_001330290.2, NM_001379631.1, NM_001379634.1 and 2 more transcripts); c.2037C>T, p.Asp679= (NM_001379632.1, NM_001379633.1, NM_001379636.1 and 11 more transcripts); c.2112C>T, p.Asp704= (NM_001379637.1, NM_001379648.1).
Identifiers: ClinVar variation 2652097 (VCV002652097.24), dbSNP rs2537654704, ClinGen allele CA432234458.

ClinVar aggregate classification (germline): Likely benign (1 of 4 stars; one submission).

Allele frequency attached by ClinVar (database versions not stated): gnomAD exomes below 0.00001.
gnomAD v4.1: 1 of 1,600,536 alleles (0.000062%); highest among the groups gnomAD compares: Non-Finnish European, 0.000085%; no homozygotes.

Submission:

CeGaT Center for Human Genetics Tuebingen
Classification: Likely benign. Last evaluated: 2023-01-01. Review status: criteria provided, single submitter. Criteria: CeGaT Center For Human Genetics Tuebingen Variant Classification Criteria Version 2. Collection method: clinical testing. Allele origin: germline. Affected: yes. Observed: 1 variant allele.
Comment: KIF1A: PM2:Supporting, BP4, BP7